The following is an entry in ClinVar:

NM_001378902.1(ROS1):c.4401A>C (p.Thr1467=)

Gene: ROS1 (ROS proto-oncogene 1, receptor tyrosine kinase; minus strand). Cytogenetic location: 6q22.1.
Variant type: single nucleotide variant.
Coding change: c.4401A>C on transcript NM_001378902.1 (MANE Select); coding-DNA position 4401, A replaced by C.
Protein change: p.Thr1467=; no amino-acid change (threonine 1467 retained).
Molecular consequence: synonymous variant.
Genome position (GRCh38, 1-based): chr6:117,344,165, T>G on the plus strand (A>C on the coding strand, the complement: ROS1 is on the minus strand). VCF-style: chr6-117344165-T-G. GRCh37 (hg19) VCF-style: chr6-117665328-T-G.
Other names: c.4407A>C, p.Thr1469= (NM_001378891.1); c.4419A>C, p.Thr1473= (NM_002944.3).
Identifiers: ClinVar variation 778346 (VCV000778346.7), dbSNP rs141056178, ClinGen allele CA3974703.
Genomic context (GRCh38, chr6:117,344,165, plus strand): 5'-TTCTGCATAATAAACCAGGTATGTTGGAGTAGGGCTGGTGATGCCATACCATGTGAGGTT[T>G]GTCTTGGCCAGAGGTAATCTGATTGTGAGGCTAGTGTTAGTGGCATTAAGTATAGTTGGT-3'
Protein context (NP_001365831.1, residues 1457-1477): SLTIRLPLAK[Thr1467=]NLTWYGITSP

ClinVar aggregate classification (germline): Benign. Review status: criteria provided, multiple submitters, no conflicts (2 of 4 stars). 2 submissions from 2 submitters: Benign (2). Last evaluated 2026-01-01.

Allele frequency attached by ClinVar (database versions not stated): ESP Exome Variant Server 0.00077; gnomAD 0.00340 and 0.00346; 1000 Genomes Project 30x 0.00437; 1000 Genomes Project 0.00459; TOPMed 0.00579; ExAC 0.00637; gnomAD exomes 0.00848.
gnomAD v4.1: 3,175 of 1,614,042 alleles (0.2%); highest among the groups gnomAD compares: Admixed American, 5%; 108 homozygotes.

Submissions (2):

CeGaT Center for Human Genetics Tuebingen
Classification: Benign. Last evaluated: 2026-01-01. Review status: criteria provided, single submitter. Criteria: CeGaT Center For Human Genetics Tuebingen Variant Classification Criteria Version 2. Collection method: clinical testing. Allele origin: germline. Affected: yes. Observed: 1 variant allele.
Comment: ROS1: BP4, BP7, BS1, BS2

Labcorp Genetics (formerly Invitae), Labcorp
Classification: Benign. Last evaluated: 2018-07-18. Review status: criteria provided, single submitter. Criteria: Invitae Variant Classification Sherloc (09022015). Collection method: clinical testing. Allele origin: germline.